The following is an entry in ClinVar:

NM_001206999.2(CIT):c.243C>T (p.Ser81=)

Gene: CIT (citron rho-interacting serine/threonine kinase; minus strand). Cytogenetic location: 12q24.23.
Variant type: single nucleotide variant.
Coding change: c.243C>T on transcript NM_001206999.2 (MANE Select); coding-DNA position 243, C replaced by T.
Protein change: p.Ser81=; no amino-acid change (serine 81 retained).
Molecular consequence: synonymous variant.
Genome position (GRCh38, 1-based): chr12:119,857,694, G>A on the plus strand (C>T on the coding strand, the complement: CIT is on the minus strand). VCF-style: chr12-119857694-G-A. GRCh37 (hg19) VCF-style: chr12-120295498-G-A.
Other names: c.243C>T, p.Ser81= (NM_007174.3).
Identifiers: ClinVar variation 710025 (VCV000710025.13), dbSNP rs139308004, ClinGen allele CA6822467.

ClinVar aggregate classification (germline): Likely benign. Review status: criteria provided, multiple submitters, no conflicts (2 of 4 stars). 3 submissions from 3 submitters: Likely benign (2). 1 of the submissions does not count toward it. Last evaluated 2025-07-31.

Conditions:
CIT-related disorder. Also called: CIT-related condition.

Allele frequency attached by ClinVar (database versions not stated): gnomAD 0.00081 and 0.00079; TOPMed 0.00095; 1000 Genomes Project 0.00120; 1000 Genomes Project 30x 0.00156; gnomAD exomes 0.00018; ExAC 0.00021; ESP Exome Variant Server 0.00054.
gnomAD v4.1: 320 of 1,613,008 alleles (0.02%); highest among the groups gnomAD compares: African/African-American, 0.26%; 2 homozygotes.

Submissions (3):

Labcorp Genetics (formerly Invitae), Labcorp
Classification: Likely benign. Last evaluated: 2025-07-31. Review status: criteria provided, single submitter. Criteria: Invitae Variant Classification Sherloc (09022015). Collection method: clinical testing. Allele origin: germline.

GeneDx
Classification: Likely benign. Last evaluated: 2020-10-15. Review status: criteria provided, single submitter. Criteria: GeneDx Variant Classification Process June 2021. Collection method: clinical testing. Allele origin: germline. Affected: yes.

PreventionGenetics, part of Exact Sciences
Classification: Likely benign for CIT-related condition. Last evaluated: 2020-03-10. Review status: no assertion criteria provided. Collection method: clinical testing. Allele origin: germline. Not counted in ClinVar's aggregate classification.
Comment: This variant is classified as likely benign based on ACMG/AMP sequence variant interpretation guidelines (Richards et al. 2015 PMID: 25741868, with internal and published modifications).